The following is an entry in ClinVar:

ClinVar aggregate classification (germline): Uncertain significance (1 of 4 stars; one submission).

Conditions:
Combined immunodeficiency due to OX40 deficiency. Also called: Immunodeficiency 16; OX40 DEFICIENCY. Identifiers: Orphanet 431149, MedGen C3810053, MONDO:0014268, OMIM 615593.

Submission:

Labcorp Genetics (formerly Invitae), Labcorp
Classification: Uncertain significance for Combined immunodeficiency due to OX40 deficiency. Last evaluated: 2024-04-25. Review status: criteria provided, single submitter. Criteria: Invitae Variant Classification Sherloc (09022015). Collection method: clinical testing. Allele origin: germline.
Comment: This sequence change replaces threonine, which is neutral and polar, with asparagine, which is neutral and polar, at codon 154 of the TNFRSF4 protein (p.Thr154Asn). This variant is present in population databases (no rsID available, gnomAD 0.007%). This variant has not been reported in the literature in individuals affected with TNFRSF4-related conditions. ClinVar contains an entry for this variant (Variation ID: 2182789). Advanced modeling of protein sequence and biophysical properties (such as structural, functional, and spatial information, amino acid conservation, physicochemical variation, residue mobility, and thermodynamic stability) performed at Invitae indicates that this missense variant is expected to disrupt TNFRSF4 protein function with a positive predictive value of 80%. In summary, the available evidence is currently insufficient to determine the role of this variant in disease. Therefore, it has been classified as a Variant of Uncertain Significance.

NM_003327.4(TNFRSF4):c.461C>A (p.Thr154Asn)

Gene: TNFRSF4 (TNF receptor superfamily member 4; minus strand). Cytogenetic location: 1p36.33.
Variant type: single nucleotide variant.
Coding change: c.461C>A on transcript NM_003327.4 (MANE Select); coding-DNA position 461, C replaced by A.
Protein change: p.Thr154Asn; replaces threonine 154 with asparagine.
Molecular consequence: missense variant.
Genome position (GRCh38, 1-based): chr1:1,212,115, G>T on the plus strand (C>A on the coding strand, the complement: TNFRSF4 is on the minus strand). VCF-style: chr1-1212115-G-T. GRCh37 (hg19) VCF-style: chr1-1147495-G-T.
Other names: c.461C>A, p.Thr154Asn (NM_001410709.1); short protein forms T154N.
Identifiers: ClinVar variation 2182789 (VCV002182789.4), dbSNP rs1210545506, ClinGen allele CA337799643.